The following is an entry in ClinVar:

ClinVar aggregate classification (germline): Uncertain significance (1 of 4 stars; one submission).

Allele frequency attached by ClinVar (database versions not stated): gnomAD exomes below 0.00001; gnomAD 0.00001; TOPMed 0.00001.
gnomAD v4.1: 4 of 1,613,972 alleles (0.00025%); highest among the groups gnomAD compares: Admixed American, 0.0067%; no homozygotes.

Submission:

Labcorp Genetics (formerly Invitae), Labcorp
Classification: Uncertain significance. Last evaluated: 2022-07-30. Review status: criteria provided, single submitter. Criteria: Invitae Variant Classification Sherloc (09022015). Collection method: clinical testing. Allele origin: germline.
Comment: Algorithms developed to predict the effect of missense changes on protein structure and function are either unavailable or do not agree on the potential impact of this missense change (SIFT: "Deleterious"; PolyPhen-2: "Possibly Damaging"; Align-GVGD: "Class C0"). In summary, the available evidence is currently insufficient to determine the role of this variant in disease. Therefore, it has been classified as a Variant of Uncertain Significance. ClinVar contains an entry for this variant (Variation ID: 1407736). This variant has not been reported in the literature in individuals affected with VCAN-related conditions. This variant is not present in population databases (gnomAD no frequency). This sequence change replaces serine, which is neutral and polar, with cysteine, which is neutral and slightly polar, at codon 1017 of the VCAN protein (p.Ser1017Cys).

NM_004385.5(VCAN):c.3050C>G (p.Ser1017Cys)

Gene: VCAN (versican; plus strand). Cytogenetic location: 5q14.3.
Variant type: single nucleotide variant.
Coding change: c.3050C>G on transcript NM_004385.5 (MANE Select); coding-DNA position 3050, C replaced by G.
Protein change: p.Ser1017Cys; replaces serine 1017 with cysteine.
Molecular consequence: missense variant. On other transcripts: intron variant (2).
Genome position (GRCh38, 1-based): chr5:83,521,356, C>G. VCF-style: chr5-83521356-C-G. GRCh37 (hg19) VCF-style: chr5-82817175-C-G.
Other names: c.3050C>G, p.Ser1017Cys (NM_001164098.2); c.1042+8960C>G (NM_001164097.2, NM_001126336.3); short protein forms S1017C.
Identifiers: ClinVar variation 1407736 (VCV001407736.8), dbSNP rs1438590616, ClinGen allele CA360305235.